The following is an entry in ClinVar:

NM_000268.4(NF2):c.1352C>A (p.Ala451Glu)

Gene: NF2 (NF2, moesin-ezrin-radixin like (MERLIN) tumor suppressor; plus strand). Cytogenetic location: 22q12.2.
Variant type: single nucleotide variant.
Coding change: c.1352C>A on transcript NM_000268.4 (MANE Select); coding-DNA position 1352, C replaced by A.
Protein change: p.Ala451Glu; replaces alanine 451 with glutamic acid.
Molecular consequence: missense variant. On other transcripts: non-coding transcript variant (1), intron variant (1).
Genome position (GRCh38, 1-based): chr22:29,674,847, C>A. VCF-style: chr22-29674847-C-A. GRCh37 (hg19) VCF-style: chr22-30070836-C-A.
Other names: c.1238C>A, p.Ala413Glu (NM_001407053.1, NM_001407056.1); c.1229C>A, p.Ala410Glu (NM_001407054.1, NM_001407058.1, NM_181829.3); c.1226C>A, p.Ala409Glu (NM_001407055.1, NM_181828.3); c.1217C>A, p.Ala406Glu (NM_001407057.1, NM_001407059.1); c.1352C>A, p.Ala451Glu (NM_001407060.1, NM_001407066.1, NM_016418.5 and 2 more transcripts); c.1094C>A, p.Ala365Glu (NM_001407062.1); c.1103C>A, p.Ala368Glu (NM_001407063.1, NM_001407064.1, NM_181830.3 and 1 more transcripts); c.818C>A, p.Ala273Glu (NM_001407065.1); and 2 more; short protein forms A365E, A409E, A451E, A406E, A410E, A273E, A374E, A368E.
Identifiers: ClinVar variation 5025685 (VCV005025685.1).

ClinVar aggregate classification (germline): Uncertain significance (1 of 4 stars; one submission).

Conditions:
Hereditary cancer-predisposing syndrome. Also called: Neoplastic Syndromes, Hereditary; Tumor predisposition; Hereditary neoplastic syndrome; Hereditary Cancer Syndrome. Identifiers: Orphanet 140162, MedGen C0027672, MeSH D009386, MONDO:0015356.

Submission:

Ambry Genetics
Classification: Uncertain significance for Hereditary cancer-predisposing syndrome. Last evaluated: 2026-07-06. Review status: criteria provided, single submitter. Criteria: Ambry Variant Classification Scheme 2023. Collection method: clinical testing. Allele origin: germline.
Comment: The p.A451E variant (also known as c.1352C>A), located in coding exon 13 of the NF2 gene, results from a C to A substitution at nucleotide position 1352. The alanine at codon 451 is replaced by glutamic acid, an amino acid with dissimilar properties. This amino acid position is conserved. In addition, this alteration is predicted to be deleterious by in silico analysis. Based on the available evidence, the clinical significance of this variant remains unclear.